The following is an entry in ClinVar:

ClinVar aggregate classification (germline): Benign (1 of 4 stars; one submission).

Allele frequency attached by ClinVar (database versions not stated): gnomAD 0.00006; gnomAD exomes 0.00008.
gnomAD v4.1: 42 of 567,980 alleles (0.0074%); highest among the groups gnomAD compares: Middle Eastern, 0.047%; no homozygotes.

Submission:

Unidad de Genómica Garrahan, Hospital de Pediatría Garrahan
Classification: Benign. Last evaluated: 2024-01-24. Review status: criteria provided, single submitter. Criteria: ACMG Guidelines, 2015. Collection method: clinical testing. Allele origin: germline. Affected: no. Observed: 64 variant alleles.
Comment: This variant is classified as Benign based on local population frequency. This variant was detected in 73% of patients studied by a panel of primary immunodeficiencies. Number of patients: 64. Only high quality variants are reported.

NM_002163.4(IRF8):c.-1-232T>A

Gene: IRF8 (interferon regulatory factor 8; plus strand). Cytogenetic location: 16q24.1.
Variant type: single nucleotide variant.
Coding change: c.-1-232T>A on transcript NM_002163.4 (MANE Select); 232 bases into the intron before 1 bases upstream of the start codon, T replaced by A.
Molecular consequence: intron variant.
Genome position (GRCh38, 1-based): chr16:85,902,783, T>A. VCF-style: chr16-85902783-T-A. GRCh37 (hg19) VCF-style: chr16-85936389-T-A.
Identifiers: ClinVar variation 2688371 (VCV002688371.2), dbSNP rs505577, ClinGen allele CA285711010.